The following is an entry in ClinVar:

ClinVar aggregate classification (germline): Uncertain significance (1 of 4 stars; one submission).

Submission:

Labcorp Genetics (formerly Invitae), Labcorp
Classification: Uncertain significance. Last evaluated: 2022-05-12. Review status: criteria provided, single submitter. Criteria: Invitae Variant Classification Sherloc (09022015). Collection method: clinical testing. Allele origin: germline.
Comment: This variant is not present in population databases (gnomAD no frequency). In summary, the available evidence is currently insufficient to determine the role of this variant in disease. Therefore, it has been classified as a Variant of Uncertain Significance. Algorithms developed to predict the effect of missense changes on protein structure and function (SIFT, PolyPhen-2, Align-GVGD) all suggest that this variant is likely to be disruptive. This variant has not been reported in the literature in individuals affected with MTHFD1-related conditions. This sequence change replaces glycine, which is neutral and non-polar, with valine, which is neutral and non-polar, at codon 274 of the MTHFD1 protein (p.Gly274Val).

NM_005956.4(MTHFD1):c.821G>T (p.Gly274Val)

Gene: MTHFD1 (methylenetetrahydrofolate dehydrogenase, cyclohydrolase and formyltetrahydrofolate synthetase 1; plus strand). Cytogenetic location: 14q23.3.
Variant type: single nucleotide variant.
Coding change: c.821G>T on transcript NM_005956.4 (MANE Select); coding-DNA position 821, G replaced by T.
Protein change: p.Gly274Val; replaces glycine 274 with valine.
Molecular consequence: missense variant.
Genome position (GRCh38, 1-based): chr14:64,424,897, G>T. VCF-style: chr14-64424897-G-T. GRCh37 (hg19) VCF-style: chr14-64891615-G-T.
Other names: c.821G>T, p.Gly274Val (NM_001364837.1); short protein forms G274V.
Identifiers: ClinVar variation 2092575 (VCV002092575.4), dbSNP rs201470652, ClinGen allele CA389983930.